The following is an entry in ClinVar:

NM_001868.4(CPA1):c.178G>A (p.Gly60Ser)

Gene: CPA1 (carboxypeptidase A1; plus strand). Cytogenetic location: 7q32.2.
Variant type: single nucleotide variant.
Coding change: c.178G>A on transcript NM_001868.4 (MANE Select); coding-DNA position 178, G replaced by A.
Protein change: p.Gly60Ser; replaces glycine 60 with serine.
Molecular consequence: missense variant.
Genome position (GRCh38, 1-based): chr7:130,381,660, G>A. VCF-style: chr7-130381660-G-A. GRCh37 (hg19) VCF-style: chr7-130021501-G-A.
Other names: short protein forms G60S.
Identifiers: ClinVar variation 2496919 (VCV002496919.2), dbSNP rs2536005079, ClinGen allele CA369279642.
Genomic context (GRCh38, chr7:130,381,660, plus strand): 5'-TGTGACCGTGCCGGCTCTTGTCCTCCCCAGCTGGACTTCTGGCGGGGGCCTGCCCACCCT[G>A]GCTCCCCCATCGACGTCCGAGTGCCCTTCCCCAGCATCCAGGCGGTCAAGATCTTTCTGG-3'
Protein context (NP_001859.1, residues 50-70): LDFWRGPAHP[Gly60Ser]SPIDVRVPFP

ClinVar aggregate classification (germline): Uncertain significance (1 of 4 stars; one submission).

Conditions:
Hereditary pancreatitis (PCTT). Also called: Hereditary chronic pancreatitis; PRSS1-Related Hereditary Pancreatitis. Identifiers: Orphanet 676, MedGen C0238339, MONDO:0008185, OMIM 167800.

Submission:

Ambry Genetics
Classification: Uncertain significance for Hereditary pancreatitis. Last evaluated: 2023-01-11. Review status: criteria provided, single submitter. Criteria: Ambry Variant Classification Scheme 2023. Collection method: clinical testing. Allele origin: germline.
Comment: The p.G60S variant (also known as c.178G>A), located in coding exon 3 of the CPA1 gene, results from a G to A substitution at nucleotide position 178. The glycine at codon 60 is replaced by serine, an amino acid with similar properties. This amino acid position is conserved. In addition, this alteration is predicted to be tolerated by in silico analysis. Since supporting evidence is limited at this time, the clinical significance of this alteration remains unclear.